The following is an entry in ClinVar:

ClinVar aggregate classification (germline): Conflicting classifications of pathogenicity. Review status: criteria provided, conflicting classifications (1 of 4 stars). 7 submissions from 7 submitters: Uncertain significance (5); Likely benign (2). Last evaluated 2025-11-03.

Conditions:
Hereditary nonpolyposis colorectal neoplasms. Identifiers: MedGen C0009405, MeSH D003123.
Hereditary cancer-predisposing syndrome. Also called: Hereditary neoplastic syndrome; Hereditary Cancer Syndrome; Neoplastic Syndromes, Hereditary; Tumor predisposition. Identifiers: Orphanet 140162, MedGen C0027672, MeSH D009386, MONDO:0015356.
Lynch syndrome. Identifiers: Orphanet 144, MedGen C4552100, MONDO:0005835. Disease mechanism: loss of function.
Lynch syndrome 5 (LYNCH5). Also called: Hereditary non-polyposis colorectal cancer, type 5; Colorectal cancer, hereditary nonpolyposis, type 5. Identifiers: Orphanet 144, MedGen C1833477, MONDO:0013710, OMIM 614350. Disease mechanism: loss of function.

Allele frequency attached by ClinVar (database versions not stated): gnomAD exomes below 0.00001; ExAC 0.00001; gnomAD 0.00001; TOPMed 0.00001.
gnomAD v4.1: 2 of 1,614,066 alleles (0.00012%); highest among the groups gnomAD compares: Admixed American, 0.0033%; no homozygotes.

Submissions (7):

Labcorp Genetics (formerly Invitae), Labcorp
Classification: Likely benign for Hereditary nonpolyposis colorectal neoplasms. Last evaluated: 2025-11-03. Review status: criteria provided, single submitter. Criteria: Invitae Variant Classification Sherloc (09022015). Collection method: clinical testing. Allele origin: germline.

Myriad Genetics, Inc.
Classification: Likely benign for Lynch syndrome 5. Last evaluated: 2025-02-11. Review status: criteria provided, single submitter. Criteria: Myriad Autosomal Dominant, Autosomal Recessive and X-Linked Classification Criteria (2023). Collection method: clinical testing. Allele origin: unknown.
Comment: This variant is considered likely benign. This variant has been observed in trans with a known pathogenic variant in one or more individuals lacking clinical features consistent with gene-specific recessive disease.

Ambry Genetics
Classification: Uncertain significance for Hereditary cancer-predisposing syndrome. Last evaluated: 2024-06-12. Review status: criteria provided, single submitter. Criteria: Ambry Variant Classification Scheme 2023. Collection method: clinical testing. Allele origin: germline.
Comment: The p.C1117F variant (also known as c.3350G>T), located in coding exon 5 of the MSH6 gene, results from a G to T substitution at nucleotide position 3350. The cysteine at codon 1117 is replaced by phenylalanine, an amino acid with highly dissimilar properties. This amino acid position is well conserved in available vertebrate species. In addition, the in silico prediction for this alteration is inconclusive. Based on the available evidence, the clinical significance of this variant remains unclear.

All of Us Research Program, National Institutes of Health
Classification: Uncertain significance for Lynch syndrome. Last evaluated: 2023-12-13. Review status: criteria provided, single submitter. Criteria: ACMG Guidelines, 2015. Collection method: clinical testing. Allele origin: germline. Inheritance: Autosomal dominant inheritance. Observed: 1 variant allele, 1 heterozygote.
Comment: This missense variant replaces cysteine with phenylalanine at codon 1117 of the MSH6 protein. Computational prediction is inconclusive regarding the impact of this variant on protein structure and function (internally defined REVEL score threshold 0.5 < inconclusive < 0.7, PMID: 27666373). To our knowledge, functional studies have not been reported for this variant. This variant has not been reported in individuals affected with MSH6-related disorders in the literature. This variant has been identified in 2/282794 chromosomes in the general population by the Genome Aggregation Database (gnomAD). The available evidence is insufficient to determine the role of this variant in disease conclusively. Therefore, this variant is classified as a Variant of Uncertain Significance.

This study involves interpretation of variants in research participants for the purpose of population health screening. Participant phenotype was not available at the time of variant classification. Additional details can be found in publication PMID: 35346344, PMCID: PMC8962531

Color Diagnostics, LLC DBA Color Health
Classification: Uncertain significance for Hereditary cancer-predisposing syndrome. Last evaluated: 2022-12-05. Review status: criteria provided, single submitter. Criteria: ACMG Guidelines, 2015. Collection method: clinical testing. Allele origin: germline.
Comment: This missense variant replaces cysteine with phenylalanine at codon 1117 of the MSH6 protein. Computational prediction is inconclusive regarding the impact of this variant on protein structure and function (internally defined REVEL score threshold 0.5 < inconclusive < 0.7, PMID: 27666373). To our knowledge, functional studies have not been reported for this variant. This variant has not been reported in individuals affected with MSH6-related disorders in the literature. This variant has been identified in 2/282794 chromosomes in the general population by the Genome Aggregation Database (gnomAD). The available evidence is insufficient to determine the role of this variant in disease conclusively. Therefore, this variant is classified as a Variant of Uncertain Significance.

Quest Diagnostics Nichols Institute San Juan Capistrano
Classification: Uncertain significance. Last evaluated: 2022-04-28. Review status: criteria provided, single submitter. Criteria: Quest Diagnostics criteria. Collection method: clinical testing. Allele origin: unknown.

GeneDx
Classification: Uncertain significance. Last evaluated: 2015-09-21. Review status: criteria provided, single submitter. Criteria: GeneDx Variant Classification (06012015). Collection method: clinical testing. Allele origin: germline. Affected: yes.
Comment: This variant is denoted MSH6 c.3350G>T at the cDNA level, p.Cys1117Phe (C1117F) at the protein level, and results in the change of a Cysteine to a Phenylalanine (TGT>TTT). This variant has not, to our knowledge, been published in the literature as pathogenic or benign. MSH6 Cys1117Phe was not observed in approximately 6,500 individuals of European and African American ancestry in the NHLBI Exome Sequencing Project, indicating it is not a common benign variant in these populations. Since Cysteine and Phenylalanine differ in polarity, charge, size or other properties, this is considered a non-conservative amino acid substitution. MSH6 Cys1117Phe occurs at a position that is conserved in mammals and is not located in a known functional domain (Kariola 2002, Terui 2013). In silico analyses are inconsistent regarding the effect this variant may have on protein structure and function. Based on currently available information, it is unclear whether MSH6 Cys1117Phe is pathogenic or benign. We consider it to be a variant of uncertain significance.

NM_000179.3(MSH6):c.3350G>T (p.Cys1117Phe)

Gene: MSH6 (mutS homolog 6; plus strand). Cytogenetic location: 2p16.3.
Variant type: single nucleotide variant.
Coding change: c.3350G>T on transcript NM_000179.3 (MANE Select); coding-DNA position 3350, G replaced by T.
Protein change: p.Cys1117Phe; replaces cysteine 1117 with phenylalanine.
Molecular consequence: missense variant.
Genome position (GRCh38, 1-based): chr2:47,803,597, G>T. VCF-style: chr2-47803597-G-T. GRCh37 (hg19) VCF-style: chr2-48030736-G-T.
Other names: c.2960G>T, p.Cys987Phe (NM_001281492.2); c.2444G>T, p.Cys815Phe (NM_001281493.2, NM_001281494.2); short protein forms C1117F, C815F, C987F.
Identifiers: ClinVar variation 237188 (VCV000237188.18), dbSNP rs773245315, ClinGen allele CA070699.